The following is an entry in ClinVar:

NM_005475.3(SH2B3):c.956T>G (p.Ile319Ser)

Gene: SH2B3 (SH2B adaptor protein 3; plus strand). Cytogenetic location: 12q24.12.
Variant type: single nucleotide variant.
Coding change: c.956T>G on transcript NM_005475.3 (MANE Select); coding-DNA position 956, T replaced by G.
Protein change: p.Ile319Ser; replaces isoleucine 319 with serine.
Molecular consequence: missense variant.
Genome position (GRCh38, 1-based): chr12:111,447,154, T>G. VCF-style: chr12-111447154-T-G. GRCh37 (hg19) VCF-style: chr12-111884958-T-G.
Other names: c.350T>G, p.Ile117Ser (NM_001291424.1); short protein forms I117S, I319S.
Identifiers: ClinVar variation 3953409 (VCV003953409.1).

ClinVar aggregate classification (germline): Uncertain significance (1 of 4 stars; one submission).

Conditions:
Inborn genetic diseases. Identifiers: MedGen C0950123, MeSH D030342.

gnomAD v4.1: 5 of 1,613,946 alleles (0.00031%); highest among the groups gnomAD compares: South Asian, 0.0044%; no homozygotes.

Submission:

Ambry Genetics
Classification: Uncertain significance for Inborn genetic diseases. Last evaluated: 2025-03-31. Review status: criteria provided, single submitter. Criteria: Ambry Variant Classification Scheme 2023. Collection method: clinical testing. Allele origin: germline.
Comment: The p.I319S variant (also known as c.956T>G), located in coding exon 4 of the SH2B3 gene, results from a T to G substitution at nucleotide position 956. The isoleucine at codon 319 is replaced by serine, an amino acid with dissimilar properties. This amino acid position is conserved. In addition, this alteration is predicted to be tolerated by in silico analysis. Based on the available evidence, the clinical significance of this variant remains unclear.